The following is an entry in ClinVar:

NM_001146213.3(TBC1D15):c.1502-2A>G

Gene: TBC1D15 (TBC1 domain family member 15; plus strand). Cytogenetic location: 12q21.1.
Variant type: single nucleotide variant.
Coding change: c.1502-2A>G on transcript NM_001146213.3 (MANE Select); the canonical splice acceptor site of the intron before coding-DNA position 1502, A replaced by G.
Molecular consequence: splice acceptor variant.
Genome position (GRCh38, 1-based): chr12:71,918,449, A>G. VCF-style: chr12-71918449-A-G. GRCh37 (hg19) VCF-style: chr12-72312229-A-G.
Other names: c.1205-2A>G (NM_001146214.3); c.1553-2A>G (NM_022771.6); c.1496-2A>G (NM_001385848.1); c.1442-2A>G (NM_001385850.1); c.1436-2A>G (NM_001385851.1); c.1385-2A>G (NM_001385853.1); c.1469-2A>G (NM_001385849.1); c.1427-2A>G (NM_001385852.1); and 1 more.
Identifiers: ClinVar variation 4279810 (VCV004279810.1).

ClinVar aggregate classification (germline): Uncertain significance (1 of 4 stars; one submission).

Submission:

Clinical Genomics Laboratory, Washington University in St. Louis
Classification: Uncertain significance. Last evaluated: 2025-06-05. Review status: criteria provided, single submitter. Criteria: ACMG Guidelines, 2015. Collection method: clinical testing. Allele origin: germline.
Comment: The TBC1D15 c.1502-2A>G variant, to our knowledge, has not been reported in the medical literature and is absent from the general population (gnomAD v4.1.0), indicating it is not a common variant. This variant occurs within the canonical splice acceptor site, which is predicted to cause skipping of the exon, leading to an out of frame transcript. Due to limited information, the clinical significance of this variant is uncertain.